The following is an entry in ClinVar:

NM_015959.4(TMX2):c.342A>G (p.Leu114=)

Genes: TMX2 (thioredoxin related transmembrane protein 2; plus strand), TMX2-CTNND1 (TMX2-CTNND1 readthrough (NMD candidate); plus strand). Cytogenetic location: 11q12.1.
Variant type: single nucleotide variant.
Coding change: c.342A>G on transcript NM_015959.4 (MANE Select); coding-DNA position 342, A replaced by G.
Protein change: p.Leu114=; no amino-acid change (leucine 114 retained).
Molecular consequence: synonymous variant. On other transcripts: non-coding transcript variant (3), intron variant (2).
Genome position (GRCh38, 1-based): chr11:57,738,004, A>G. VCF-style: chr11-57738004-A-G. GRCh37 (hg19) VCF-style: chr11-57505476-A-G.
Other names: c.342A>G, p.Leu114= (NM_001347890.2, NM_001347898.2); c.135A>G, p.Leu45= (NM_001347892.2); c.60A>G, p.Leu20= (NM_001347893.2, NM_001347894.2, NM_001347895.2 and 1 more transcripts); c.250+336A>G (NM_001144012.3); c.280+336A>G (NM_001347891.2).
Identifiers: ClinVar variation 4821683 (VCV004821683.4).

ClinVar aggregate classification (germline): Likely benign (1 of 4 stars; one submission).

gnomAD v4.1: 1 of 1,612,598 alleles (0.000062%); highest among the groups gnomAD compares: South Asian, 0.0011%; no homozygotes.

Submission:

CeGaT Center for Human Genetics Tuebingen
Classification: Likely benign. Last evaluated: 2026-01-01. Review status: criteria provided, single submitter. Criteria: CeGaT Center For Human Genetics Tuebingen Variant Classification Criteria Version 2. Collection method: clinical testing. Allele origin: germline. Affected: yes. Observed: 1 variant allele.
Comment: TMX2: BP4, BP7